The following is an entry in ClinVar:

NM_005045.4(RELN):c.3928G>A (p.Ala1310Thr)

Gene: RELN (reelin; minus strand). Cytogenetic location: 7q22.1.
Variant type: single nucleotide variant.
Coding change: c.3928G>A on transcript NM_005045.4 (MANE Select); coding-DNA position 3928, G replaced by A.
Protein change: p.Ala1310Thr; replaces alanine 1310 with threonine.
Molecular consequence: missense variant.
Genome position (GRCh38, 1-based): chr7:103,589,813, C>T on the plus strand (G>A on the coding strand, the complement: RELN is on the minus strand). VCF-style: chr7-103589813-C-T. GRCh37 (hg19) VCF-style: chr7-103230260-C-T.
Other names: c.3928G>A, p.Ala1310Thr (NM_173054.3); short protein forms A1310T.
Identifiers: ClinVar variation 1318659 (VCV001318659.2), dbSNP rs1831368591, ClinGen allele CA368756397.

ClinVar aggregate classification (germline): Uncertain significance (1 of 4 stars; one submission).

gnomAD v4.1: 1 of 1,604,718 alleles (0.000062%); no homozygotes.

Submission:

GeneDx
Classification: Uncertain significance. Last evaluated: 2019-06-07. Review status: criteria provided, single submitter. Criteria: GeneDx Variant Classification Process June 2021. Collection method: clinical testing. Allele origin: germline. Affected: yes.
Comment: Not observed in large population cohorts (Lek et al., 2016); In silico analysis, which includes protein predictors and evolutionary conservation, supports that this variant does not alter protein structure/function; Has not been previously published as pathogenic or benign to our knowledge